The following is an entry in ClinVar:

ClinVar aggregate classification (germline): Pathogenic (1 of 4 stars; one submission).

Submission:

Labcorp Genetics (formerly Invitae), Labcorp
Classification: Pathogenic. Last evaluated: 2023-11-01. Review status: criteria provided, single submitter. Criteria: Invitae Variant Classification Sherloc (09022015). Collection method: clinical testing. Allele origin: germline.
Comment: This sequence change creates a premature translational stop signal (p.Tyr452Serfs*3) in the TBCE gene. It is expected to result in an absent or disrupted protein product. Loss-of-function variants in TBCE are known to be pathogenic (PMID: 27666369, 34134906, 34356170). This variant is not present in population databases (gnomAD no frequency). This variant has not been reported in the literature in individuals affected with TBCE-related conditions. For these reasons, this variant has been classified as Pathogenic.

Literature cited by the submitters: PubMed 27666369; PubMed 34134906; PubMed 34356170.

NM_003193.5(TBCE):c.1355_1362del (p.Tyr452fs)

Genes: B3GALNT2 (beta-1,3-N-acetylgalactosaminyltransferase 2; minus strand), TBCE (tubulin folding cofactor E; plus strand), LOC126806060 (MED14-independent group 3 enhancer GRCh37_chr1:235605546-235606745; plus strand). Cytogenetic location: 1q42.3.
Variant type: Deletion.
Coding change: c.1355_1362del on transcript NM_003193.5 (MANE Select); coding-DNA positions 1355 to 1362, 8 bases deleted (ACCCTCAT; older notation c.1355_1362delACCCTCAT).
Protein change: p.Tyr452fs; shifts the reading frame from tyrosine 452.
Molecular consequence: frameshift variant.
Genome position (GRCh38, 1-based): chr1:235,442,867-235,442,874, ACCCTCAT deleted; deleting any 8 consecutive bases within chr1:235,442,865-235,442,874 gives the same sequence; the c. name uses the placement nearest the transcript's 3' end. VCF-style (leftmost placement, unchanged base first): chr1-235442864-AATACCCTC-A. GRCh37 (hg19) VCF-style: chr1-235606179-AATACCCTC-A.
Other names: c.1355_1362del, p.Tyr452fs (NM_001079515.3); c.1508_1515del, p.Tyr503fs (NM_001287801.2); c.1016_1023del, p.Tyr339fs (NM_001287802.2); short protein forms Y339fs, Y503fs, Y452fs.
Identifiers: ClinVar variation 2773142 (VCV002773142.3), dbSNP rs2527078373, ClinGen allele CA2651114580.